The following is an entry in ClinVar:

NM_001270508.2(TNFAIP3):c.504G>C (p.Trp168Cys)

Genes: TNFAIP3 (TNF alpha induced protein 3; plus strand), LOC126859807 (MED14-independent group 3 enhancer GRCh37_chr6:138196296-138197495; plus strand). Cytogenetic location: 6q23.3.
Variant type: single nucleotide variant.
Coding change: c.504G>C on transcript NM_001270508.2 (MANE Select); coding-DNA position 504, G replaced by C.
Protein change: p.Trp168Cys; replaces tryptophan 168 with cysteine.
Molecular consequence: missense variant.
Genome position (GRCh38, 1-based): chr6:137,875,705, G>C. VCF-style: chr6-137875705-G-C. GRCh37 (hg19) VCF-style: chr6-138196842-G-C.
Other names: c.504G>C, p.Trp168Cys (NM_001270507.2, NM_006290.4); short protein forms W168C.
Identifiers: ClinVar variation 2822047 (VCV002822047.3), dbSNP rs2482733004, ClinGen allele CA365782881.

ClinVar aggregate classification (germline): Uncertain significance (1 of 4 stars; one submission).

Submission:

Labcorp Genetics (formerly Invitae), Labcorp
Classification: Uncertain significance. Last evaluated: 2024-10-22. Review status: criteria provided, single submitter. Criteria: Invitae Variant Classification Sherloc (09022015). Collection method: clinical testing. Allele origin: germline.
Comment: This sequence change replaces tryptophan, which is neutral and slightly polar, with cysteine, which is neutral and slightly polar, at codon 168 of the TNFAIP3 protein (p.Trp168Cys). This variant is not present in population databases (gnomAD no frequency). This variant has not been reported in the literature in individuals affected with TNFAIP3-related conditions. Invitae Evidence Modeling of protein sequence and biophysical properties (such as structural, functional, and spatial information, amino acid conservation, physicochemical variation, residue mobility, and thermodynamic stability) indicates that this missense variant is expected to disrupt TNFAIP3 protein function with a positive predictive value of 80%. In summary, the available evidence is currently insufficient to determine the role of this variant in disease. Therefore, it has been classified as a Variant of Uncertain Significance.